The following is an entry in ClinVar:

ClinVar aggregate classification (germline): Uncertain significance (1 of 4 stars; one submission).

Conditions:
Pityriasis rubra pilaris (PRP). Also called: Pityriasis rubra pilaris--familial type. Identifiers: Orphanet 2897, MedGen C0032027, MONDO:0100017, OMIM 173200, MONDO:0008251.
Psoriasis 2. Identifiers: MedGen C1864497, MONDO:0011269, OMIM 602723.

gnomAD v4.1: 9 of 1,613,186 alleles (0.00056%); highest among the groups gnomAD compares: Non-Finnish European, 0.00068%; no homozygotes.

Submission:

Labcorp Genetics (formerly Invitae), Labcorp
Classification: Uncertain significance for Pityriasis rubra pilaris; Psoriasis 2. Last evaluated: 2022-04-26. Review status: criteria provided, single submitter. Criteria: Invitae Variant Classification Sherloc (09022015). Collection method: clinical testing. Allele origin: germline.
Comment: In summary, the available evidence is currently insufficient to determine the role of this variant in disease. Therefore, it has been classified as a Variant of Uncertain Significance. Algorithms developed to predict the effect of missense changes on protein structure and function (SIFT, PolyPhen-2, Align-GVGD) all suggest that this variant is likely to be disruptive. This variant has not been reported in the literature in individuals affected with CARD14-related conditions. This variant is not present in population databases (gnomAD no frequency). This sequence change replaces serine, which is neutral and polar, with tryptophan, which is neutral and slightly polar, at codon 602 of the CARD14 protein (p.Ser602Trp).

NM_001366385.1(CARD14):c.1805C>G (p.Ser602Trp)

Gene: CARD14 (caspase recruitment domain family member 14; plus strand). Cytogenetic location: 17q25.3.
Variant type: single nucleotide variant.
Coding change: c.1805C>G on transcript NM_001366385.1 (MANE Select); coding-DNA position 1805, C replaced by G.
Protein change: p.Ser602Trp; replaces serine 602 with tryptophan.
Molecular consequence: missense variant. On other transcripts: non-coding transcript variant (1).
Genome position (GRCh38, 1-based): chr17:80,198,545, C>G. VCF-style: chr17-80198545-C-G. GRCh37 (hg19) VCF-style: chr17-78172344-C-G.
Other names: c.1805C>G, p.Ser602Trp (NM_001257970.1, NM_024110.4); c.1094C>G, p.Ser365Trp (NM_052819.3); short protein forms S365W, S602W.
Identifiers: ClinVar variation 1510850 (VCV001510850.8), dbSNP rs201285077, ClinGen allele CA401351327.
Genomic context (GRCh38, chr17:80,198,545, plus strand): 5'-AGATCAGCGTCATCGGCGGGAACCTCACGGGCATCTTCATCCACCGGGTCACCCCGGGCT[C>G]GGCGGCGGACCAGATGGCCTTGCGCCCGGGCACCCAGATTGTGATGGTGAGCCGTGCGAG-3'
Protein context (NP_001353314.1, residues 592-612): GIFIHRVTPG[Ser602Trp]AADQMALRPG